The following is an entry in ClinVar:

NM_000274.4(OAT):c.1160A>G (p.Asp387Gly)

Gene: OAT (ornithine aminotransferase; minus strand). Cytogenetic location: 10q26.13.
Variant type: single nucleotide variant.
Coding change: c.1160A>G on transcript NM_000274.4 (MANE Select); coding-DNA position 1160, A replaced by G.
Protein change: p.Asp387Gly; replaces aspartic acid 387 with glycine.
Molecular consequence: missense variant.
Genome position (GRCh38, 1-based): chr10:124,398,102, T>C on the plus strand (A>G on the coding strand, the complement: OAT is on the minus strand). VCF-style: chr10-124398102-T-C. GRCh37 (hg19) VCF-style: chr10-126086671-T-C.
Other names: c.746A>G, p.Asp249Gly (NM_001171814.2); c.1160A>G, p.Asp387Gly (NM_001322965.2, NM_001322966.2, NM_001322967.2 and 3 more transcripts); c.839A>G, p.Asp280Gly (NM_001322971.2); c.560A>G, p.Asp187Gly (NM_001322974.2); short protein forms D187G, D280G, D249G, D387G.
Identifiers: ClinVar variation 1930567 (VCV001930567.6), dbSNP rs750211145, ClinGen allele CA5733303.

ClinVar aggregate classification (germline): Uncertain significance. Review status: criteria provided, multiple submitters, no conflicts (2 of 4 stars). 2 submissions from 2 submitters: Uncertain significance (2). Last evaluated 2025-12-11.

Conditions:
Ornithine aminotransferase deficiency (GACR). Also called: Ornithine ketoacid aminotransferase deficiency; Gyrate atrophy; Gyrate atrophy of choroid and retina; Girate atrophy of the retina; HYPERORNITHINEMIA WITH GYRATE ATROPHY OF CHOROID AND RETINA; OAT DEFICIENCY. Identifiers: Orphanet 414, MedGen C0018425, MONDO:0009796, OMIM 258870.
Inborn genetic diseases. Identifiers: MedGen C0950123, MeSH D030342.

Allele frequency attached by ClinVar (database versions not stated): gnomAD exomes below 0.00001; ExAC 0.00002.
gnomAD v4.1: 6 of 1,614,040 alleles (0.00037%); highest among the groups gnomAD compares: Middle Eastern, 0.016%; no homozygotes.

Submissions (2):

Ambry Genetics
Classification: Uncertain significance for Inborn genetic diseases. Last evaluated: 2025-12-11. Review status: criteria provided, single submitter. Criteria: Ambry Variant Classification Scheme 2023. Collection method: clinical testing. Allele origin: germline.

Labcorp Genetics (formerly Invitae), Labcorp
Classification: Uncertain significance for Ornithine aminotransferase deficiency. Last evaluated: 2025-03-17. Review status: criteria provided, single submitter. Criteria: Invitae Variant Classification Sherloc (09022015). Collection method: clinical testing. Allele origin: germline.
Comment: This sequence change replaces aspartic acid, which is acidic and polar, with glycine, which is neutral and non-polar, at codon 387 of the OAT protein (p.Asp387Gly). This variant is present in population databases (rs750211145, gnomAD 0.002%). This variant has not been reported in the literature in individuals affected with OAT-related conditions. ClinVar contains an entry for this variant (Variation ID: 1930567). An algorithm developed to predict the effect of missense changes on protein structure and function (PolyPhen-2) suggests that this variant is likely to be tolerated. In summary, the available evidence is currently insufficient to determine the role of this variant in disease. Therefore, it has been classified as a Variant of Uncertain Significance.